The following is an entry in ClinVar:

NM_017763.6(RNF43):c.1540A>G (p.Lys514Glu)

Gene: RNF43 (ring finger protein 43; minus strand). Cytogenetic location: 17q22.
Variant type: single nucleotide variant.
Coding change: c.1540A>G on transcript NM_017763.6 (MANE Select); coding-DNA position 1540, A replaced by G.
Protein change: p.Lys514Glu; replaces lysine 514 with glutamic acid.
Molecular consequence: missense variant.
Genome position (GRCh38, 1-based): chr17:58,358,236, T>C on the plus strand (A>G on the coding strand, the complement: RNF43 is on the minus strand). VCF-style: chr17-58358236-T-C. GRCh37 (hg19) VCF-style: chr17-56435597-T-C.
Other names: c.1540A>G, p.Lys514Glu (NM_001305544.3); c.1159A>G, p.Lys387Glu (NM_001305545.2); short protein forms K387E, K514E.
Identifiers: ClinVar variation 2908192 (VCV002908192.4), dbSNP rs1972742412, ClinGen allele CA400329432.

ClinVar aggregate classification (germline): Conflicting classifications of pathogenicity. Review status: criteria provided, conflicting classifications (1 of 4 stars). 2 submissions from 2 submitters: Uncertain significance (1); Likely benign (1). Last evaluated 2024-10-02.

Allele frequency attached by ClinVar (database versions not stated): gnomAD exomes below 0.00001; gnomAD 0.00001.
gnomAD v4.1: 3 of 1,613,516 alleles (0.00019%); highest among the groups gnomAD compares: Admixed American, 0.0017%; no homozygotes.

Submissions (2):

Ambry Genetics
Classification: Likely benign. Last evaluated: 2024-10-02. Review status: criteria provided, single submitter. Criteria: Ambry Variant Classification Scheme 2023. Collection method: clinical testing. Allele origin: germline.

Labcorp Genetics (formerly Invitae), Labcorp
Classification: Uncertain significance. Last evaluated: 2023-09-03. Review status: criteria provided, single submitter. Criteria: Invitae Variant Classification Sherloc (09022015). Collection method: clinical testing. Allele origin: germline.
Comment: This sequence change replaces lysine, which is basic and polar, with glutamic acid, which is acidic and polar, at codon 514 of the RNF43 protein (p.Lys514Glu). This variant is not present in population databases (gnomAD no frequency). This variant has not been reported in the literature in individuals affected with RNF43-related conditions. Algorithms developed to predict the effect of missense changes on protein structure and function output the following: SIFT: "Not Available"; PolyPhen-2: "Benign"; Align-GVGD: "Not Available". The glutamic acid amino acid residue is found in multiple mammalian species, which suggests that this missense change does not adversely affect protein function. In summary, the available evidence is currently insufficient to determine the role of this variant in disease. Therefore, it has been classified as a Variant of Uncertain Significance.